The following is an entry in ClinVar:

NM_001351169.2(NT5C2):c.771+18A>T

Gene: NT5C2 (5'-nucleotidase, cytosolic II; minus strand). Cytogenetic location: 10q24.32.
Variant type: single nucleotide variant.
Coding change: c.771+18A>T on transcript NM_001351169.2 (MANE Select); 18 bases into the intron after coding-DNA position 771, A replaced by T.
Molecular consequence: intron variant.
Genome position (GRCh38, 1-based): chr10:103,097,273, T>A on the plus strand (A>T on the coding strand, the complement: NT5C2 is on the minus strand). VCF-style: chr10-103097273-T-A. GRCh37 (hg19) VCF-style: chr10-104857030-T-A.
Other names: c.684+18A>T (NM_001351174.1); c.198+18A>T (NM_001351191.1, NM_001351192.1, NM_001351193.1 and 16 more transcripts); c.57+18A>T (NM_001351194.2, NM_001351195.2, NM_001351196.2); c.771+18A>T (NM_001134373.3, NM_012229.5); c.795+18A>T (NM_001351170.2, NM_001351171.2, NM_001351172.2 and 1 more transcripts); c.678+18A>T (NM_001351175.2).
Identifiers: ClinVar variation 388841 (VCV000388841.2), dbSNP rs77348825, ClinGen allele CA5670966.

ClinVar aggregate classification (germline): Benign/Likely benign. Review status: criteria provided, multiple submitters, no conflicts (2 of 4 stars). 2 submissions from 2 submitters: Benign (1); Likely benign (1). Last evaluated 2025-10-01.

Conditions:
Hereditary spastic paraplegia 45. Also called: Spastic paraplegia 45, autosomal recessive; SPASTIC PARAPLEGIA 45. Identifiers: Orphanet 320396, MedGen C3888209, MONDO:0013165, OMIM 613162.

Allele frequency attached by ClinVar (database versions not stated): gnomAD exomes 0.00005 and 0.00015; TOPMed 0.00008; gnomAD 0.00016; ExAC 0.00019; 1000 Genomes Project 30x 0.00031; 1000 Genomes Project 0.00040.
gnomAD v4.1: 88 of 1,562,030 alleles (0.0056%); highest among the groups gnomAD compares: East Asian, 0.2%; no homozygotes.

Submissions (2):

Labcorp Genetics (formerly Invitae), Labcorp
Classification: Benign for Hereditary spastic paraplegia 45. Last evaluated: 2025-10-01. Review status: criteria provided, single submitter. Criteria: Invitae Variant Classification Sherloc (09022015). Collection method: clinical testing. Allele origin: germline.

GeneDx
Classification: Likely benign. Last evaluated: 2016-08-26. Review status: criteria provided, single submitter. Criteria: GeneDx Variant Classification (06012015). Collection method: clinical testing. Allele origin: germline. Affected: yes.
Comment: This variant is considered likely benign or benign based on one or more of the following criteria: it is a conservative change, it occurs at a poorly conserved position in the protein, it is predicted to be benign by multiple in silico algorithms, and/or has population frequency not consistent with disease.